The following is an entry in ClinVar:

ClinVar aggregate classification (germline): Uncertain significance (1 of 4 stars; one submission).

Allele frequency attached by ClinVar (database versions not stated): gnomAD exomes below 0.00001; gnomAD 0.00001.

Submission:

Labcorp Genetics (formerly Invitae), Labcorp
Classification: Uncertain significance. Last evaluated: 2020-09-18. Review status: criteria provided, single submitter. Criteria: Invitae Variant Classification Sherloc (09022015). Collection method: clinical testing. Allele origin: germline.
Comment: Algorithms developed to predict the effect of missense changes on protein structure and function (SIFT, PolyPhen-2, Align-GVGD) all suggest that this variant is likely to be tolerated, but these predictions have not been confirmed by published functional studies and their clinical significance is uncertain. In summary, the available evidence is currently insufficient to determine the role of this variant in disease. Therefore, it has been classified as a Variant of Uncertain Significance. This variant has not been reported in the literature in individuals with SAMD9-related conditions. This variant is not present in population databases (ExAC no frequency). This sequence change replaces threonine with serine at codon 37 of the SAMD9 protein (p.Thr37Ser). The threonine residue is weakly conserved and there is a small physicochemical difference between threonine and serine.

NM_017654.4(SAMD9):c.110C>G (p.Thr37Ser)

Gene: SAMD9 (sterile alpha motif domain containing 9; minus strand). Cytogenetic location: 7q21.2.
Variant type: single nucleotide variant.
Coding change: c.110C>G on transcript NM_017654.4 (MANE Select); coding-DNA position 110, C replaced by G.
Protein change: p.Thr37Ser; replaces threonine 37 with serine.
Molecular consequence: missense variant.
Genome position (GRCh38, 1-based): chr7:93,105,988, G>C on the plus strand (C>G on the coding strand, the complement: SAMD9 is on the minus strand). VCF-style: chr7-93105988-G-C. GRCh37 (hg19) VCF-style: chr7-92735301-G-C.
Other names: c.110C>G, p.Thr37Ser (NM_001193307.2); short protein forms T37S.
Identifiers: ClinVar variation 1013821 (VCV001013821.8), dbSNP rs921706319, ClinGen allele CA368206093.